The following is an entry in ClinVar:

NM_005996.4(TBX3):c.1791G>A (p.Ala597=)

Gene: TBX3 (T-box transcription factor 3; minus strand). Cytogenetic location: 12q24.21.
Variant type: single nucleotide variant.
Coding change: c.1791G>A on transcript NM_005996.4 (MANE Select); coding-DNA position 1791, G replaced by A.
Protein change: p.Ala597=; no amino-acid change (alanine 597 retained).
Molecular consequence: synonymous variant.
Genome position (GRCh38, 1-based): chr12:114,672,222, C>T on the plus strand (G>A on the coding strand, the complement: TBX3 is on the minus strand). VCF-style: chr12-114672222-C-T. GRCh37 (hg19) VCF-style: chr12-115110027-C-T.
Other names: c.1851G>A (NM_016569.3); c.1851G>A, p.Ala617= (NM_016569.4).
Identifiers: ClinVar variation 1489209 (VCV001489209.10), dbSNP rs1283299550, ClinGen allele CA386868201.

ClinVar aggregate classification (germline): Likely benign. Review status: criteria provided, multiple submitters, no conflicts (2 of 4 stars). 3 submissions from 3 submitters: Likely benign (3). Last evaluated 2025-09-02.

Conditions:
TBX3-related disorder. Also called: TBX3-related condition.
Ulnar-mammary syndrome (UMS). Also called: Ulnar-mammary syndrome of Pallister; PALLISTER ULNAR-MAMMARY SYNDROME; SCHINZEL SYNDROME. Identifiers: Orphanet 3138, MedGen C1866994, MONDO:0008411, OMIM 181450.

Allele frequency attached by ClinVar (database versions not stated): gnomAD 0.00001; gnomAD exomes 0.00002; TOPMed 0.00002.
gnomAD v4.1: 11 of 1,573,846 alleles (0.0007%); highest among the groups gnomAD compares: Admixed American, 0.0019%; no homozygotes.

Submissions (3):

PreventionGenetics, part of Exact Sciences
Classification: Likely benign for TBX3-related condition. Last evaluated: 2025-09-02. Review status: criteria provided, single submitter. Criteria: ACMG Guidelines, 2015. Collection method: clinical testing. Allele origin: germline.
Comment: This variant is classified as likely benign based on ACMG/AMP sequence variant interpretation guidelines (Richards et al. 2015 PMID: 25741868, with internal and published modifications).

Labcorp Genetics (formerly Invitae), Labcorp
Classification: Likely benign for Ulnar-mammary syndrome. Last evaluated: 2025-06-15. Review status: criteria provided, single submitter. Criteria: Invitae Variant Classification Sherloc (09022015). Collection method: clinical testing. Allele origin: germline.

Blueprint Genetics
Classification: Likely benign. Last evaluated: 2023-05-16. Review status: criteria provided, single submitter. Criteria: ACMG Guidelines, 2015. Collection method: clinical testing. Allele origin: germline.